The following is an entry in ClinVar:

ClinVar aggregate classification (germline): Pathogenic (1 of 4 stars; one submission).

Conditions:
Kleefstra syndrome 1 (KLEFS1). Identifiers: Orphanet 261494, MedGen C0795833, MONDO:0027407, OMIM 610253.

Submission:

HudsonAlpha Institute for Biotechnology
Classification: Pathogenic for Kleefstra syndrome 1. Last evaluated: 2021-03-25. Review status: criteria provided, single submitter. Criteria: ACMG Guidelines, 2015. Collection method: research. Allele origin: de novo. Affected: yes. Observed: 1 variant allele. Study: CSER-SouthSeq.
Comment: ACMG codes:PVS1; PS2; PM2

NM_024757.5(EHMT1):c.1502-2A>G

Gene: EHMT1 (euchromatic histone lysine methyltransferase 1; plus strand). Cytogenetic location: 9q34.3.
Variant type: single nucleotide variant.
Coding change: c.1502-2A>G on transcript NM_024757.5 (MANE Select); the canonical splice acceptor site of the intron before coding-DNA position 1502, A replaced by G.
Molecular consequence: splice acceptor variant.
Genome position (GRCh38, 1-based): chr9:137,762,673, A>G. VCF-style: chr9-137762673-A-G. GRCh37 (hg19) VCF-style: chr9-140657125-A-G.
Other names: c.1481-2A>G (NM_001354263.2); c.1409-2A>G (NM_001354259.2, NM_001354612.2); c.1502-2A>G (NM_001145527.2, NM_001354611.2).
Identifiers: ClinVar variation 1048612 (VCV001048612.1), dbSNP rs2136355927, ClinGen allele CA375768310.
Genomic context (GRCh38, chr9:137,762,673, plus strand): 5'-CTTTCTAGATGTTCTTTTGAGGTCAGGATTGCATGAGCTGACATGTGTCTGTGTGACGTT[A>G]GGGTTGGCCAACGGTCCAGATGTGCTGGAGACAGACGGCCTCCAGGAAGTGCCTCTCTGC-3'